The following is an entry in ClinVar:

NM_005901.6(SMAD2):c.715C>G (p.Gln239Glu)

Gene: SMAD2 (SMAD family member 2; minus strand). Cytogenetic location: 18q21.1.
Variant type: single nucleotide variant.
Coding change: c.715C>G on transcript NM_005901.6 (MANE Select); coding-DNA position 715, C replaced by G.
Protein change: p.Gln239Glu; replaces glutamine 239 with glutamic acid.
Molecular consequence: missense variant.
Genome position (GRCh38, 1-based): chr18:47,865,074, G>C on the plus strand (C>G on the coding strand, the complement: SMAD2 is on the minus strand). VCF-style: chr18-47865074-G-C. GRCh37 (hg19) VCF-style: chr18-45391445-G-C.
Other names: c.715C>G, p.Gln239Glu (NM_001003652.4); c.625C>G, p.Gln209Glu (NM_001135937.3); short protein forms Q239E, Q209E.
Identifiers: ClinVar variation 2746920 (VCV002746920.3), dbSNP rs2511344743, ClinGen allele CA402501346.
Genomic context (GRCh38, chr18:47,865,074, plus strand): 5'-ATGTATATCTAATAACTGAGGAATTTTCAAAGACATTTTTTTTACCTGTGTCCATACTTT[G>C]ATTCAACTGTTGGTCACTTGTTTCTCCATCTTCACTGATATATCCAGGAGGTGGCGTTTC-3'
Protein context (NP_005892.1, residues 229-249): DGETSDQQLN[Gln239Glu]SMDTGSPAEL

ClinVar aggregate classification (germline): Uncertain significance (1 of 4 stars; one submission).

Allele frequency attached by ClinVar (database versions not stated): gnomAD exomes below 0.00001.
gnomAD v4.1: 2 of 1,602,578 alleles (0.00012%); highest among the groups gnomAD compares: Non-Finnish European, 0.00017%; no homozygotes.

Submission:

Labcorp Genetics (formerly Invitae), Labcorp
Classification: Uncertain significance. Last evaluated: 2024-11-10. Review status: criteria provided, single submitter. Criteria: Invitae Variant Classification Sherloc (09022015). Collection method: clinical testing. Allele origin: germline.
Comment: This sequence change replaces glutamine, which is neutral and polar, with glutamic acid, which is acidic and polar, at codon 239 of the SMAD2 protein (p.Gln239Glu). This variant is not present in population databases (gnomAD no frequency). This variant has not been reported in the literature in individuals affected with SMAD2-related conditions. ClinVar contains an entry for this variant (Variation ID: 2746920). Invitae Evidence Modeling of protein sequence and biophysical properties (such as structural, functional, and spatial information, amino acid conservation, physicochemical variation, residue mobility, and thermodynamic stability) indicates that this missense variant is not expected to disrupt SMAD2 protein function with a negative predictive value of 80%. In summary, the available evidence is currently insufficient to determine the role of this variant in disease. Therefore, it has been classified as a Variant of Uncertain Significance.